The following is an entry in ClinVar:

NM_144670.6(A2ML1):c.2029-5A>C

Gene: A2ML1 (alpha-2-macroglobulin like 1; plus strand). Cytogenetic location: 12p13.31.
Variant type: single nucleotide variant.
Coding change: c.2029-5A>C on transcript NM_144670.6 (MANE Select); 5 bases into the intron before coding-DNA position 2029, A replaced by C.
Molecular consequence: intron variant.
Genome position (GRCh38, 1-based): chr12:8,849,664, A>C. VCF-style: chr12-8849664-A-C. GRCh37 (hg19) VCF-style: chr12-9002260-A-C.
Other names: c.556-5A>C (NM_001282424.3).
Identifiers: ClinVar variation 413814 (VCV000413814.18), dbSNP rs145965024, ClinGen allele CA6435881.

ClinVar aggregate classification (germline): Benign. Review status: criteria provided, multiple submitters, no conflicts (2 of 4 stars). 4 submissions from 4 submitters: Benign (3). 1 of the submissions does not count toward it. Last evaluated 2026-01-27.

Conditions:
A2ML1-related disorder. Also called: A2ML1-related condition.

Allele frequency attached by ClinVar (database versions not stated): gnomAD exomes 0.00050; ExAC 0.00065; ESP Exome Variant Server 0.00193; gnomAD 0.00208 and 0.00216; TOPMed 0.00218; 1000 Genomes Project 0.00280; 1000 Genomes Project 30x 0.00281.

Submissions (4):

Labcorp Genetics (formerly Invitae), Labcorp
Classification: Benign. Last evaluated: 2026-01-27. Review status: criteria provided, single submitter. Criteria: Invitae Variant Classification Sherloc (09022015). Collection method: clinical testing. Allele origin: germline.

Women's Health and Genetics/Laboratory Corporation of America, LabCorp
Classification: Benign. Last evaluated: 2019-12-30. Review status: criteria provided, single submitter. Criteria: LabCorp Variant Classification Summary - May 2015. Collection method: clinical testing. Allele origin: germline.
Comment: Variant summary: A2ML1 c.2029-5A>C alters a non-conserved nucleotide located close to a canonical splice site and therefore could affect mRNA splicing, leading to a significantly altered protein sequence. 4/4 computational tools predict no significant impact on normal splicing. However, these predictions have yet to be confirmed by functional studies. The variant allele was found at a frequency of 0.0005 in 249460 control chromosomes in the gnomAD database, including 2 homozygotes. The observed variant frequency is approximately 124 fold of the estimated maximal expected allele frequency for a pathogenic variant in A2ML1 causing Noonan Syndrome phenotype (4e-06), strongly suggesting that the variant is benign. To our knowledge, no occurrence of c.2029-5A>C in individuals affected with Noonan Syndrome and no experimental evidence demonstrating its impact on protein function have been reported. One clinical diagnostic laboratory has submitted clinical-significance assessments for this variant to ClinVar after 2014 without evidence for independent evaluation and classified the variant as benign. Based on the evidence outlined above, the variant was classified as benign.

GeneDx
Classification: Benign. Last evaluated: 2018-10-12. Review status: criteria provided, single submitter. Criteria: GeneDx Variant Classification Process June 2021. Collection method: clinical testing. Allele origin: germline. Affected: yes.

PreventionGenetics, part of Exact Sciences
Classification: Likely benign for A2ML1-related condition. Last evaluated: 2019-06-26. Review status: no assertion criteria provided. Collection method: clinical testing. Allele origin: germline. Not counted in ClinVar's aggregate classification.
Comment: This variant is classified as likely benign based on ACMG/AMP sequence variant interpretation guidelines (Richards et al. 2015 PMID: 25741868, with internal and published modifications).